The following is an entry in ClinVar:

NM_177438.3(DICER1):c.481A>G (p.Asn161Asp)

Gene: DICER1 (dicer 1, ribonuclease III; minus strand). Cytogenetic location: 14q32.13.
Variant type: single nucleotide variant.
Coding change: c.481A>G on transcript NM_177438.3 (MANE Select); coding-DNA position 481, A replaced by G.
Protein change: p.Asn161Asp; replaces asparagine 161 with aspartic acid.
Molecular consequence: missense variant.
Genome position (GRCh38, 1-based): chr14:95,130,150, T>C on the plus strand (A>G on the coding strand, the complement: DICER1 is on the minus strand). VCF-style: chr14-95130150-T-C. GRCh37 (hg19) VCF-style: chr14-95596487-T-C.
Other names: c.481A>G, p.Asn161Asp (NM_001195573.1, NM_001271282.3, NM_001291628.2 and 1 more transcripts); short protein forms N161D.
Identifiers: ClinVar variation 853785 (VCV000853785.12), dbSNP rs373532001, ClinGen allele CA7331650.
Genomic context (GRCh38, chr14:95,130,150, plus strand): 5'-TTGCAAGATGACACTCATCAAACACCAAAAGGTTAATGTCTGACAGTGATAAGTAACCAT[T>C]TTTCAAAACATTCAAGGCGACATAGCAAGTCATAATGAGAACCTAAAATAAAATCAACAT-3'
Protein context (NP_803187.1, residues 151-171): TCYVALNVLK[Asn161Asp]GYLSLSDINL

ClinVar aggregate classification (germline): Conflicting classifications of pathogenicity. Review status: criteria provided, conflicting classifications (1 of 4 stars). 2 submissions from 2 submitters: Uncertain significance (1); Likely benign (1). Last evaluated 2024-12-04.

Conditions:
DICER1-related tumor predisposition. Also called: DICER1 syndrome; DICER1-related pleuropulmonary blastoma cancer predisposition syndrome. Identifiers: Orphanet 284343, MedGen C3839822, MONDO:0100216.
Hereditary cancer-predisposing syndrome. Also called: Neoplastic Syndromes, Hereditary; Hereditary Cancer Syndrome; Hereditary neoplastic syndrome; Tumor predisposition. Identifiers: Orphanet 140162, MedGen C0027672, MeSH D009386, MONDO:0015356.

Allele frequency attached by ClinVar (database versions not stated): ESP Exome Variant Server 0.00008.

Submissions (2):

Ambry Genetics
Classification: Likely benign for Hereditary cancer-predisposing syndrome. Last evaluated: 2024-12-04. Review status: criteria provided, single submitter. Criteria: Ambry Variant Classification Scheme 2023. Collection method: clinical testing. Allele origin: germline.

Labcorp Genetics (formerly Invitae), Labcorp
Classification: Uncertain significance for DICER1-related tumor predisposition. Last evaluated: 2022-05-04. Review status: criteria provided, single submitter. Criteria: Invitae Variant Classification Sherloc (09022015). Collection method: clinical testing. Allele origin: germline.
Comment: ClinVar contains an entry for this variant (Variation ID: 853785). This variant has not been reported in the literature in individuals affected with DICER1-related conditions. This variant is not present in population databases (gnomAD no frequency). This sequence change replaces asparagine, which is neutral and polar, with aspartic acid, which is acidic and polar, at codon 161 of the DICER1 protein (p.Asn161Asp). Algorithms developed to predict the effect of missense changes on protein structure and function (SIFT, PolyPhen-2, Align-GVGD) all suggest that this variant is likely to be tolerated. In summary, the available evidence is currently insufficient to determine the role of this variant in disease. Therefore, it has been classified as a Variant of Uncertain Significance. Algorithms developed to predict the effect of sequence changes on RNA splicing suggest that this variant may create or strengthen a splice site.